The following is an entry in ClinVar:

ClinVar aggregate classification (germline): Uncertain significance. Review status: criteria provided, multiple submitters, no conflicts (2 of 4 stars). 2 submissions from 2 submitters: Uncertain significance (2). Last evaluated 2025-10-29.

Conditions:
Melnick-Fraser syndrome (BOR). Also called: Branchiootorenal syndrome; Branchiootorenal Syndrome (BORS); Branchio-oto-renal syndrome. Identifiers: Orphanet 107, MedGen C0265234, MONDO:0007029.
Inborn genetic diseases. Identifiers: MedGen C0950123, MeSH D030342.

Allele frequency attached by ClinVar (database versions not stated): gnomAD 0.00001; ExAC 0.00003; TOPMed 0.00001; gnomAD exomes 0.00002.
gnomAD v4.1: 30 of 1,612,914 alleles (0.0019%); highest among the groups gnomAD compares: Non-Finnish European, 0.0024%; no homozygotes.

Submissions (2):

Ambry Genetics
Classification: Uncertain significance for Inborn genetic diseases. Last evaluated: 2025-10-29. Review status: criteria provided, single submitter. Criteria: Ambry Variant Classification Scheme 2023. Collection method: clinical testing. Allele origin: germline.

Labcorp Genetics (formerly Invitae), Labcorp
Classification: Uncertain significance for Melnick-Fraser syndrome. Last evaluated: 2024-07-03. Review status: criteria provided, single submitter. Criteria: Invitae Variant Classification Sherloc (09022015). Collection method: clinical testing. Allele origin: germline.
Comment: This sequence change replaces glycine, which is neutral and non-polar, with alanine, which is neutral and non-polar, at codon 557 of the EYA1 protein (p.Gly557Ala). This variant is present in population databases (rs766423472, gnomAD 0.004%). This variant has not been reported in the literature in individuals affected with EYA1-related conditions. ClinVar contains an entry for this variant (Variation ID: 2524040). Advanced modeling of protein sequence and biophysical properties (such as structural, functional, and spatial information, amino acid conservation, physicochemical variation, residue mobility, and thermodynamic stability) has been performed at Invitae for this missense variant, however the output from this modeling did not meet the statistical confidence thresholds required to predict the impact of this variant on EYA1 protein function. In summary, the available evidence is currently insufficient to determine the role of this variant in disease. Therefore, it has been classified as a Variant of Uncertain Significance.

NM_000503.6(EYA1):c.1670G>C (p.Gly557Ala)

Gene: EYA1 (EYA transcriptional coactivator and phosphatase 1; minus strand). Cytogenetic location: 8q13.3.
Variant type: single nucleotide variant.
Coding change: c.1670G>C on transcript NM_000503.6 (MANE Select); coding-DNA position 1670, G replaced by C.
Protein change: p.Gly557Ala; replaces glycine 557 with alanine.
Molecular consequence: missense variant.
Genome position (GRCh38, 1-based): chr8:71,211,184, C>G on the plus strand (G>C on the coding strand, the complement: EYA1 is on the minus strand). VCF-style: chr8-71211184-C-G. GRCh37 (hg19) VCF-style: chr8-72123419-C-G.
Other names: c.1652G>C, p.Gly551Ala (NM_001288574.2, NM_172059.5); c.1304G>C, p.Gly435Ala (NM_001288575.2); c.1757G>C, p.Gly586Ala (NM_001370333.1); c.1670G>C, p.Gly557Ala (NM_001370334.1, NM_001370335.1, NM_172058.4); c.1649G>C, p.Gly550Ala (NM_001370336.1); c.1571G>C, p.Gly524Ala (NM_001411797.1, NM_172060.4); short protein forms G551A, G524A, G557A, G435A, G550A, G586A.
Identifiers: ClinVar variation 2524040 (VCV002524040.5), dbSNP rs766423472, ClinGen allele CA4779393.